The following is an entry in ClinVar:

ClinVar aggregate classification (germline): Uncertain significance (1 of 4 stars; one submission).

Submission:

GeneDx
Classification: Uncertain significance. Last evaluated: 2023-07-18. Review status: criteria provided, single submitter. Criteria: GeneDx Variant Classification Process June 2021. Collection method: clinical testing. Allele origin: germline. Affected: yes.
Comment: Not observed at significant frequency in large population cohorts (gnomAD); In silico analysis supports that this missense variant does not alter protein structure/function; Has not been previously published as pathogenic or benign to our knowledge

NM_030665.4(RAI1):c.4331C>G (p.Pro1444Arg)

Gene: RAI1 (retinoic acid induced 1; plus strand). Cytogenetic location: 17p11.2.
Variant type: single nucleotide variant.
Coding change: c.4331C>G on transcript NM_030665.4 (MANE Select); coding-DNA position 4331, C replaced by G.
Protein change: p.Pro1444Arg; replaces proline 1444 with arginine.
Molecular consequence: missense variant.
Genome position (GRCh38, 1-based): chr17:17,797,279, C>G. VCF-style: chr17-17797279-C-G. GRCh37 (hg19) VCF-style: chr17-17700593-C-G.
Other names: short protein forms P1444R.
Identifiers: ClinVar variation 3361115 (VCV003361115.1).